The following is an entry in ClinVar:

ClinVar aggregate classification (germline): Uncertain significance (1 of 4 stars; one submission).

Allele frequency attached by ClinVar (database versions not stated): ExAC 0.00001; TOPMed 0.00001; gnomAD exomes 0.00002 and 0.00005.
gnomAD v4.1: 14 of 1,595,508 alleles (0.00088%); highest among the groups gnomAD compares: Admixed American, 0.024%; 2 homozygotes.

Submission:

Labcorp Genetics (formerly Invitae), Labcorp
Classification: Uncertain significance. Last evaluated: 2022-10-27. Review status: criteria provided, single submitter. Criteria: Invitae Variant Classification Sherloc (09022015). Collection method: clinical testing. Allele origin: germline.
Comment: The COL18A1 gene has multiple clinically relevant transcripts. This variant occurs in alternate transcript NM_030582.4, and corresponds to NM_130445.2:c.107-12061A>T in the primary transcript. This sequence change falls in intron 1 of the COL18A1 gene. It does not directly change the encoded amino acid sequence of the COL18A1 protein. It affects a nucleotide within the consensus splice site. This variant is present in population databases (rs746351498, gnomAD 0.03%), including at least one homozygous and/or hemizygous individual. This variant has not been reported in the literature in individuals affected with COL18A1-related conditions. ClinVar contains an entry for this variant (Variation ID: 1489928). Variants that disrupt the consensus splice site are a relatively common cause of aberrant splicing (PMID: 17576681, 9536098). Algorithms developed to predict the effect of sequence changes on RNA splicing suggest that this variant is not likely to affect RNA splicing. In summary, the available evidence is currently insufficient to determine the role of this variant in disease. Therefore, it has been classified as a Variant of Uncertain Significance.

Literature cited by the submitters: PubMed 17576681; PubMed 9536098.

NM_001379500.1(COL18A1):c.107-12061A>T

Gene: COL18A1 (collagen type XVIII alpha 1 chain; plus strand). Cytogenetic location: 21q22.3.
Variant type: single nucleotide variant.
Coding change: c.107-12061A>T on transcript NM_001379500.1 (MANE Select); 12061 bases into the intron before coding-DNA position 107, A replaced by T.
Molecular consequence: intron variant. On other transcripts: missense variant (1).
Genome position (GRCh38, 1-based): chr21:45,456,181, A>T. VCF-style: chr21-45456181-A-T. GRCh37 (hg19) VCF-style: chr21-46876095-A-T.
Other names: c.651A>T, p.Arg217Ser (NM_130444.3); c.646+5A>T (NM_030582.4); short protein forms R217S.
Identifiers: ClinVar variation 1489928 (VCV001489928.3), dbSNP rs746351498, ClinGen allele CA10065541.